The following is an entry in ClinVar:

NC_000017.10:g.(?_56770005)_(56787371_?)del

Gene: RAD51C (RAD51 paralog C; plus strand). Cytogenetic location: 17q22.
Variant type: Deletion.
Identifiers: ClinVar variation 3243082 (VCV003243082.1).

ClinVar aggregate classification (germline): Pathogenic (1 of 4 stars; one submission).

Conditions:
Fanconi anemia complementation group O. Also called: RAD51C-Related Fanconi Anemia. Identifiers: Orphanet 84, MedGen C3150653, MONDO:0013248, OMIM 613390.

Submission:

Labcorp Genetics (formerly Invitae), Labcorp
Classification: Pathogenic for Fanconi anemia complementation group O. Last evaluated: 2024-01-25. Review status: criteria provided, single submitter. Criteria: Invitae Variant Classification Sherloc (09022015). Collection method: clinical testing. Allele origin: unknown.
Comment: This variant is a gross deletion of the genomic region encompassing exon(s) 1-5 of the RAD51C gene, which includes the initiator codon. This deletion extends beyond the assayed region for this gene and therefore may encompass additional genes. It is expected to result in an absent or disrupted protein product. Loss-of-function variants in RAD51C are known to be pathogenic (PMID: 20400964, 21990120, 24800917, 29278735). This variant has not been reported in the literature in individuals affected with RAD51C-related conditions. For these reasons, this variant has been classified as Pathogenic.

Literature cited by the submitters: PubMed 20400964; PubMed 21990120; PubMed 24800917; PubMed 29278735.